The following is an entry in ClinVar:

ClinVar aggregate classification (germline): Likely benign (1 of 4 stars; one submission).

Conditions:
Congenital myasthenic syndrome 12 (CMS12). Also called: MYASTHENIC SYNDROME, CONGENITAL, WITH TUBULAR AGGREGATES 1; Myasthenia, congenital, 12, with tubular aggregates. Identifiers: Orphanet 353327, Orphanet 590, MedGen C3552335, MONDO:0012518, OMIM 610542.

Allele frequency attached by ClinVar (database versions not stated): 1000 Genomes Project 0.00319; gnomAD 0.00354 and 0.00379; 1000 Genomes Project 30x 0.00359; TOPMed 0.00395.

Submission:

Illumina Laboratory Services, Illumina
Classification: Likely benign for Congenital myasthenic syndrome 12. Last evaluated: 2018-01-13. Review status: criteria provided, single submitter. Criteria: ICSL Variant Classification Criteria 13 December 2019. Collection method: clinical testing. Allele origin: germline.
Comment: This variant was observed in the ICSL laboratory as part of a predisposition screen in an ostensibly healthy population. It had not been previously curated by ICSL or reported in the Human Gene Mutation Database (HGMD: prior to June 1st, 2018), and was therefore a candidate for classification through an automated scoring system. Utilizing variant allele frequency, disease prevalence and penetrance estimates, and inheritance mode, an automated score was calculated to assess if this variant is too frequent to cause the disease. Based on the score and internal cut-off values, a variant classified as likely benign is not then subjected to further curation. The score for this variant resulted in a classification of likely benign for this disease.

NM_001244710.2(GFPT1):c.*2916A>G

Gene: GFPT1 (glutamine--fructose-6-phosphate transaminase 1; minus strand). Cytogenetic location: 2p13.3.
Variant type: single nucleotide variant.
Coding change: c.*2916A>G on transcript NM_001244710.2 (MANE Select); 2916 bases downstream of the stop codon, A replaced by G.
Molecular consequence: 3 prime UTR variant.
Genome position (GRCh38, 1-based): chr2:69,323,273, T>C on the plus strand (A>G on the coding strand, the complement: GFPT1 is on the minus strand). VCF-style: chr2-69323273-T-C. GRCh37 (hg19) VCF-style: chr2-69550405-T-C.
Other names: c.*2916A>G (NM_002056.4).
Identifiers: ClinVar variation 336826 (VCV000336826.5), dbSNP rs114138715, ClinGen allele CA10615992.